The following is an entry in ClinVar:

ClinVar aggregate classification (germline): Uncertain significance (1 of 4 stars; one submission).

gnomAD v4.1: 4 of 1,614,148 alleles (0.00025%); highest among the groups gnomAD compares: Non-Finnish European, 0.00034%; no homozygotes.

Submission:

GeneDx
Classification: Uncertain significance. Last evaluated: 2026-03-13. Review status: criteria provided, single submitter. Criteria: GeneDx Variant Classification Process June 2021. Collection method: clinical testing. Allele origin: germline.
Comment: Not observed at significant frequency in large population cohorts (gnomAD); In silico analysis supports that this missense variant has a deleterious effect on protein structure/function; Has not been previously published as pathogenic or benign to our knowledge; This variant is associated with the following publications: (PMID: 16227997)

NM_001005361.3(DNM2):c.2041C>T (p.His681Tyr)

Gene: DNM2 (dynamin 2; plus strand). Cytogenetic location: 19p13.2.
Variant type: single nucleotide variant.
Coding change: c.2041C>T on transcript NM_001005361.3 (MANE Select); coding-DNA position 2041, C replaced by T.
Protein change: p.His681Tyr; replaces histidine 681 with tyrosine.
Molecular consequence: missense variant.
Genome position (GRCh38, 1-based): chr19:10,825,204, C>T. VCF-style: chr19-10825204-C-T. GRCh37 (hg19) VCF-style: chr19-10935880-C-T.
Other names: c.2041C>T, p.His681Tyr (NM_001005360.3, NM_001190716.2); c.2029C>T, p.His677Tyr (NM_001005362.3, NM_004945.4); short protein forms H677Y, H681Y.
Identifiers: ClinVar variation 4976649 (VCV004976649.1).